The following is an entry in ClinVar:

NM_002474.3(MYH11):c.2429A>G (p.Gln810Arg)

Gene: MYH11 (myosin heavy chain 11; minus strand). Cytogenetic location: 16p13.11.
Variant type: single nucleotide variant.
Coding change: c.2429A>G on transcript NM_002474.3 (MANE Select); coding-DNA position 2429, A replaced by G.
Protein change: p.Gln810Arg; replaces glutamine 810 with arginine.
Molecular consequence: missense variant.
Genome position (GRCh38, 1-based): chr16:15,745,220, T>C on the plus strand (A>G on the coding strand, the complement: MYH11 is on the minus strand). VCF-style: chr16-15745220-T-C. GRCh37 (hg19) VCF-style: chr16-15839077-T-C.
Other names: c.2450A>G, p.Gln817Arg (NM_001040113.2, NM_001040114.2); c.2429A>G, p.Gln810Arg (NM_022844.3); short protein forms Q817R, Q810R.
Identifiers: ClinVar variation 1791119 (VCV001791119.2), dbSNP rs1202010177, ClinGen allele CA394866914.

ClinVar aggregate classification (germline): Uncertain significance (1 of 4 stars; one submission).

Conditions:
Familial thoracic aortic aneurysm and aortic dissection (TAAD). Also called: Thoracic aortic aneurysms and dissections. Identifiers: Orphanet 91387, MedGen C4707243, MONDO:0019625.

Allele frequency attached by ClinVar (database versions not stated): gnomAD exomes below 0.00001; TOPMed below 0.00001; gnomAD 0.00001.
gnomAD v4.1: 2 of 1,612,550 alleles (0.00012%); highest among the groups gnomAD compares: Non-Finnish European, 0.00017%; no homozygotes.

Submission:

Ambry Genetics
Classification: Uncertain significance for Familial thoracic aortic aneurysm and aortic dissection. Last evaluated: 2021-08-22. Review status: criteria provided, single submitter. Criteria: Ambry Variant Classification Scheme 2023. Collection method: clinical testing. Allele origin: germline.
Comment: The p.Q810R variant (also known as c.2429A>G), located in coding exon 19 of the MYH11 gene, results from an A to G substitution at nucleotide position 2429. The glutamine at codon 810 is replaced by arginine, an amino acid with highly similar properties. This amino acid position is conserved. In addition, the in silico prediction for this alteration is inconclusive. Since supporting evidence is limited at this time, the clinical significance of this alteration remains unclear.